The following is an entry in ClinVar:

ClinVar aggregate classification (germline): Uncertain significance (1 of 4 stars; one submission).

Conditions:
Ataxia-telangiectasia syndrome (AT). Also called: LOUIS-BAR SYNDROME; Cerebello-oculocutaneous telangiectasia; Immunodeficiency with ataxia telangiectasia; Ataxia telangiectasia (A-T); Ataxia-telangiectasia, complementation group D; AT, COMPLEMENTATION GROUP C. Identifiers: Orphanet 100, MedGen C0004135, MONDO:0008840, OMIM 208900.

Submission:

Labcorp Genetics (formerly Invitae), Labcorp
Classification: Uncertain significance for Ataxia-telangiectasia syndrome. Last evaluated: 2021-01-13. Review status: criteria provided, single submitter. Criteria: Invitae Variant Classification Sherloc (09022015). Collection method: clinical testing. Allele origin: germline.
Comment: In summary, the available evidence is currently insufficient to determine the role of this variant in disease. Therefore, it has been classified as a Variant of Uncertain Significance. Advanced modeling of protein sequence and biophysical properties (such as structural, functional, and spatial information, amino acid conservation, physicochemical variation, residue mobility, and thermodynamic stability) performed at Invitae indicates that this missense variant is not expected to disrupt ATM protein function. This variant has not been reported in the literature in individuals with ATM-related conditions. This variant is not present in population databases (ExAC no frequency). This sequence change replaces alanine with serine at codon 2062 of the ATM protein (p.Ala2062Ser). The alanine residue is moderately conserved and there is a moderate physicochemical difference between alanine and serine.

NM_000051.4(ATM):c.6184G>T (p.Ala2062Ser)

Genes: ATM (ATM serine/threonine kinase; plus strand), C11orf65 (chromosome 11 open reading frame 65; minus strand). Cytogenetic location: 11q22.3.
Variant type: single nucleotide variant.
Coding change: c.6184G>T on transcript NM_000051.4 (MANE Select); coding-DNA position 6184, G replaced by T.
Protein change: p.Ala2062Ser; replaces alanine 2062 with serine.
Molecular consequence: missense variant. On other transcripts: intron variant (2).
Genome position (GRCh38, 1-based): chr11:108,316,099, G>T. VCF-style: chr11-108316099-G-T. GRCh37 (hg19) VCF-style: chr11-108186826-G-T.
Other names: c.6184G>T, p.Ala2062Ser (NM_001351834.2); c.641-7028C>A (NM_001330368.2); c.*39-7028C>A (NM_001351110.2); short protein forms A2062S.
Identifiers: ClinVar variation 1520998 (VCV001520998.8), dbSNP rs2136131994, ClinGen allele CA382550746.